The following is an entry in ClinVar:

NM_144997.7(FLCN):c.292C>G (p.His98Asp)

Gene: FLCN (folliculin; minus strand). Cytogenetic location: 17p11.2.
Variant type: single nucleotide variant.
Coding change: c.292C>G on transcript NM_144997.7 (MANE Select); coding-DNA position 292, C replaced by G.
Protein change: p.His98Asp; replaces histidine 98 with aspartic acid.
Molecular consequence: missense variant.
Genome position (GRCh38, 1-based): chr17:17,226,280, G>C on the plus strand (C>G on the coding strand, the complement: FLCN is on the minus strand). VCF-style: chr17-17226280-G-C. GRCh37 (hg19) VCF-style: chr17-17129594-G-C.
Other names: c.292C>G (LRG_325t1); c.292C>G, p.His98Asp (NM_001353229.2, NM_001353230.2, NM_001353231.2 and 1 more transcripts); short protein forms H98D.
Identifiers: ClinVar variation 582748 (VCV000582748.6), dbSNP rs1567822895, ClinGen allele CA398534912.

ClinVar aggregate classification (germline): Uncertain significance (1 of 4 stars; one submission).

Conditions:
Birt-Hogg-Dube syndrome. Also called: Birt Hogg Dubé syndrome. Identifiers: Orphanet 122, MedGen C0346010, MONDO:0800444.

Submission:

Labcorp Genetics (formerly Invitae), Labcorp
Classification: Uncertain significance for Birt-Hogg-Dube syndrome. Last evaluated: 2022-09-20. Review status: criteria provided, single submitter. Criteria: Invitae Variant Classification Sherloc (09022015). Collection method: clinical testing. Allele origin: germline.
Comment: This variant has not been reported in the literature in individuals affected with FLCN-related conditions. This variant is not present in population databases (gnomAD no frequency). This sequence change replaces histidine, which is basic and polar, with aspartic acid, which is acidic and polar, at codon 98 of the FLCN protein (p.His98Asp). In summary, the available evidence is currently insufficient to determine the role of this variant in disease. Therefore, it has been classified as a Variant of Uncertain Significance. Advanced modeling of protein sequence and biophysical properties (such as structural, functional, and spatial information, amino acid conservation, physicochemical variation, residue mobility, and thermodynamic stability) performed at Invitae indicates that this missense variant is not expected to disrupt FLCN protein function. ClinVar contains an entry for this variant (Variation ID: 582748).